The following is an entry in ClinVar:

NM_000540.3(RYR1):c.12065T>C (p.Met4022Thr)

Gene: RYR1 (ryanodine receptor 1; plus strand). Cytogenetic location: 19q13.2.
Variant type: single nucleotide variant.
Coding change: c.12065T>C on transcript NM_000540.3 (MANE Select); coding-DNA position 12065, T replaced by C.
Protein change: p.Met4022Thr; replaces methionine 4022 with threonine.
Molecular consequence: missense variant.
Genome position (GRCh38, 1-based): chr19:38,546,497, T>C. VCF-style: chr19-38546497-T-C. GRCh37 (hg19) VCF-style: chr19-39037137-T-C.
Other names: c.12050T>C, p.Met4017Thr (NM_001042723.2); short protein forms M4017T, M4022T.
Identifiers: ClinVar variation 2729369 (VCV002729369.4), dbSNP rs2514591833, ClinGen allele CA405664013.

ClinVar aggregate classification (germline): Uncertain significance. Review status: criteria provided, multiple submitters, no conflicts (2 of 4 stars). 2 submissions from 2 submitters: Uncertain significance (2). Last evaluated 2024-07-10.

Conditions:
RYR1-related disorder. Also called: RYR1-related disorders; RYR1-related condition. Identifiers: MedGen CN239331.
Malignant hyperthermia, susceptibility to, 1 (MHS1). Also called: Anesthesia related hyperthermia; Malignant hyperpyrexia; Fulminating hyperpyrexia; Pharmacogenic myopathy; RYR1-Related Malignant Hyperthermia Susceptibility; Malignant hyperthermia suceptibility 1. Identifiers: Orphanet 423, MedGen C2930980, MONDO:0007783, OMIM 145600.

Allele frequency attached by ClinVar (database versions not stated): gnomAD exomes below 0.00001.
gnomAD v4.1: 5 of 1,613,250 alleles (0.00031%); highest among the groups gnomAD compares: South Asian, 0.0011%; no homozygotes.

Submissions (2):

All of Us Research Program, National Institutes of Health
Classification: Uncertain significance for Malignant hyperthermia, susceptibility to, 1. Last evaluated: 2024-07-10. Review status: criteria provided, single submitter. Criteria: ACMG Guidelines, 2015. Collection method: clinical testing. Allele origin: germline. Inheritance: Autosomal dominant inheritance. Observed: 1 variant allele, 1 heterozygote.
Comment: This missense variant replaces methionine with threonine at codon 4022 of the RYR1 protein. Computational prediction is inconclusive regarding the impact of this variant on protein structure and function (internally defined REVEL score threshold 0.5 < inconclusive < 0.7, PMID: 27666373). To our knowledge, functional studies have not been reported for this variant. This variant has not been reported in individuals affected with RYR1-related disorders in the literature. This variant has not been identified in the general population by the Genome Aggregation Database (gnomAD). The available evidence is insufficient to determine the role of this variant in disease conclusively. Therefore, this variant is classified as a Variant of Uncertain Significance.

This study involves interpretation of variants in research participants for the purpose of population health screening. Participant phenotype was not available at the time of variant classification. Additional details can be found in publication PMID: 35346344, PMCID: PMC8962531

Labcorp Genetics (formerly Invitae), Labcorp
Classification: Uncertain significance for RYR1-related disorder. Last evaluated: 2023-04-10. Review status: criteria provided, single submitter. Criteria: Invitae Variant Classification Sherloc (09022015). Collection method: clinical testing. Allele origin: germline.
Comment: In summary, the available evidence is currently insufficient to determine the role of this variant in disease. Therefore, it has been classified as a Variant of Uncertain Significance. Advanced modeling of protein sequence and biophysical properties (such as structural, functional, and spatial information, amino acid conservation, physicochemical variation, residue mobility, and thermodynamic stability) has been performed at Invitae for this missense variant, however the output from this modeling did not meet the statistical confidence thresholds required to predict the impact of this variant on RYR1 protein function. This variant has not been reported in the literature in individuals affected with RYR1-related conditions. This variant is not present in population databases (gnomAD no frequency). This sequence change replaces methionine, which is neutral and non-polar, with threonine, which is neutral and polar, at codon 4022 of the RYR1 protein (p.Met4022Thr).